The following is an entry in ClinVar:

NM_000338.3(SLC12A1):c.1103A>G (p.Glu368Gly)

Gene: SLC12A1 (solute carrier family 12 member 1; plus strand). Cytogenetic location: 15q21.1.
Variant type: single nucleotide variant.
Coding change: c.1103A>G on transcript NM_000338.3 (MANE Select); coding-DNA position 1103, A replaced by G.
Protein change: p.Glu368Gly; replaces glutamic acid 368 with glycine.
Molecular consequence: missense variant.
Genome position (GRCh38, 1-based): chr15:48,234,892, A>G. VCF-style: chr15-48234892-A-G. GRCh37 (hg19) VCF-style: chr15-48527089-A-G.
Other names: c.1103A>G (NM_000338.2); c.1103A>G, p.Glu368Gly (NM_001184832.2, NM_001384136.1); short protein forms E368G.
Identifiers: ClinVar variation 1407972 (VCV001407972.12), dbSNP rs1567314296, ClinGen allele CA392308487.

ClinVar aggregate classification (germline): Pathogenic/Likely pathogenic. Review status: criteria provided, multiple submitters, no conflicts (2 of 4 stars). 5 submissions from 5 submitters: Pathogenic (1); Likely pathogenic (4). Last evaluated 2025-11-17.

Conditions:
Bartter disease type 1. Also called: Bartter Syndrome type 1; HYPOKALEMIC ALKALOSIS WITH HYPERCALCIURIA 1, ANTENATAL; Bartter syndrome, type 1, antenatal; HYPERPROSTAGLANDIN E SYNDROME 1. Identifiers: Orphanet 112, Orphanet 620217, MedGen C1866495, MONDO:0100344, OMIM 601678, MONDO:0011127.
Inborn genetic diseases. Identifiers: MedGen C0950123, MeSH D030342.

Allele frequency attached by ClinVar (database versions not stated): TOPMed below 0.00001; gnomAD 0.00001; gnomAD exomes below 0.00001.
gnomAD v4.1: 4 of 1,613,834 alleles (0.00025%); highest among the groups gnomAD compares: Admixed American, 0.0017%; no homozygotes.

Submissions (5):

Dasa
Classification: Likely pathogenic. Last evaluated: 2025-11-17. Review status: criteria provided, single submitter. Criteria: DASA Assertion Criteria. Collection method: clinical testing. Allele origin: germline.
Comment: NM_000338.3(SLC12A1):c.1103A>G (p.Glu368Gly) is a missense variant that results in the substitution of glutamic acid with glycine. This variant has been recurrently observed in individuals with SLC12A1-related disorders (PMID: 36058813; PMID: 19096086). Functional evidence supports an impact on the gene or gene product. Also, this variant is rare in population databases. Computational evidence supports a deleterious effect. Based on the currently available evidence, this variant is classified as likely pathogenic.

Ambry Genetics
Classification: Likely pathogenic for Inborn genetic diseases. Last evaluated: 2025-05-09. Review status: criteria provided, single submitter. Criteria: Ambry Variant Classification Scheme 2023. Collection method: clinical testing. Allele origin: germline.
Comment: The c.1103A>G (p.E368G) alteration is located in exon 9 (coding exon 8) of the SLC12A1 gene. This alteration results from an A to G substitution at nucleotide position 1103, causing the glutamic acid (E) at amino acid position 368 to be replaced by a glycine (G). Based on data from gnomAD, the G allele has an overall frequency of <0.001% (1/250968) total alleles studied. The highest observed frequency was 0.003% (1/34588) of Latino alleles. This variant was detected homozygous in one individual diagnosed with neonatal Bartter syndrome and was detected in trans with a SLC12A1 variant in another individual with polyuria, hypokalemia, hyponatremia, and low birth weight (Brochard, 2009; D'Angelantonio, 2022) This amino acid position is highly conserved in available vertebrate species. In a functional study testing SLC12A1 localization and expression, this variant resulted in abnormal results (Shaukat, 2021). This alteration is predicted to be deleterious by in silico analysis. Based on the available evidence, this alteration is classified as likely pathogenic.

Labcorp Genetics (formerly Invitae), Labcorp
Classification: Likely pathogenic. Last evaluated: 2025-02-25. Review status: criteria provided, single submitter. Criteria: Invitae Variant Classification Sherloc (09022015). Collection method: clinical testing. Allele origin: germline.
Comment: This sequence change replaces glutamic acid, which is acidic and polar, with glycine, which is neutral and non-polar, at codon 368 of the SLC12A1 protein (p.Glu368Gly). This variant is not present in population databases (gnomAD no frequency). This missense change has been observed in individual(s) with clinical features of Bartter syndrome (PMID: 19096086, 36058813; internal data). In at least one individual the data is consistent with being in trans (on the opposite chromosome) from a pathogenic variant. ClinVar contains an entry for this variant (Variation ID: 1407972). Invitae Evidence Modeling of protein sequence and biophysical properties (such as structural, functional, and spatial information, amino acid conservation, physicochemical variation, residue mobility, and thermodynamic stability) indicates that this missense variant is expected to disrupt SLC12A1 protein function with a positive predictive value of 80%. Experimental studies have shown that this missense change affects SLC12A1 function (PMID: 33973684). In summary, the currently available evidence indicates that the variant is pathogenic, but additional data are needed to prove that conclusively. Therefore, this variant has been classified as Likely Pathogenic.

Fulgent Genetics
Classification: Likely pathogenic for Bartter disease type 1. Last evaluated: 2024-02-08. Review status: criteria provided, single submitter. Criteria: ACMG Guidelines, 2015. Collection method: clinical testing. Allele origin: germline.

Mendelics
Classification: Pathogenic for Bartter disease type 1. Last evaluated: 2022-05-04. Review status: criteria provided, single submitter. Criteria: Mendelics Assertion Criteria 2019. Collection method: clinical testing. Allele origin: germline.

Literature cited by the submitters: PubMed 36058813 (cited by 3 submitters); PubMed 19096086 (cited by 3 submitters); PubMed 33973684 (cited by 3 submitters).